The following is an entry in ClinVar:

NM_001018005.2(TPM1):c.563+305T>C

Gene: TPM1 (tropomyosin 1; plus strand). Cytogenetic location: 15q22.2.
Variant type: single nucleotide variant.
Coding change: c.563+305T>C on transcript NM_001018005.2 (MANE Select); 305 bases into the intron after coding-DNA position 563, T replaced by C.
Molecular consequence: intron variant. On other transcripts: synonymous variant (21), non-coding transcript variant (16).
Genome position (GRCh38, 1-based): chr15:63,061,244, T>C. VCF-style: chr15-63061244-T-C. GRCh37 (hg19) VCF-style: chr15-63353443-T-C.
Other names: c.610T>C, p.Leu204= (NM_000366.6, NM_001018006.2, NM_001018020.2 and 10 more transcripts); c.502T>C, p.Leu168= (NM_001330344.2, NM_001330351.2, NM_001365781.2 and 3 more transcripts); c.736T>C, p.Leu246= (NM_001407322.1, NM_001407323.1); c.689+305T>C (NM_001365778.1, NM_001407324.1); c.563+305T>C (NM_001407338.1, NM_001018007.2, NM_001365776.1 and 7 more transcripts); c.455+305T>C (NM_001018008.2, NM_001301289.2, NM_001365782.1 and 3 more transcripts).
Identifiers: ClinVar variation 3895338 (VCV003895338.1), dbSNP rs779791290.

ClinVar aggregate classification (germline): Likely benign (1 of 4 stars; one submission).

gnomAD v4.1: 13 of 1,614,116 alleles (0.00081%); highest among the groups gnomAD compares: Middle Eastern, 0.016%; no homozygotes.

Submission:

Molecular Diagnostic Laboratory for Inherited Cardiovascular Disease, Montreal Heart Institute
Classification: Likely benign. Last evaluated: 2025-04-09. Review status: criteria provided, single submitter. Criteria: ACMG Guidelines, 2015. Collection method: clinical testing. Allele origin: germline. Affected: no.
Comment: BP7